The following is an entry in ClinVar:

NM_000038.6(APC):c.4057del (p.Glu1353fs)

Gene: APC (APC regulator of Wnt signaling pathway; plus strand). Cytogenetic location: 5q22.2.
Variant type: Deletion.
Coding change: c.4057del on transcript NM_000038.6 (MANE Select); coding-DNA position 4057, one base deleted (G; older notation c.4057delG).
Protein change: p.Glu1353fs; shifts the reading frame from glutamic acid 1353.
Molecular consequence: frameshift variant.
Genome position (GRCh38, 1-based): chr5:112,839,651, G deleted. VCF-style (leftmost placement, unchanged base first): chr5-112839650-TG-T. GRCh37 (hg19) VCF-style: chr5-112175347-TG-T.
Other names: c.4057del, p.Glu1353fs (NM_001127510.3, NM_001354895.2); c.4003del, p.Glu1335fs (NM_001127511.3); c.4111del, p.Glu1371fs (NM_001354896.2); c.4087del, p.Glu1363fs (NM_001354897.2); c.3982del, p.Glu1328fs (NM_001354898.2); c.3973del, p.Glu1325fs (NM_001354899.2); c.3934del, p.Glu1312fs (NM_001354900.2); c.3880del, p.Glu1294fs (NM_001354901.2); and 16 more; short protein forms E1252fs, E1325fs, E1353fs, E1070fs, E1328fs, E1227fs, E1262fs, E1312fs.
Identifiers: ClinVar variation 1737420 (VCV001737420.2), dbSNP rs2533545111, ClinGen allele CA658760645.

ClinVar aggregate classification (germline): Pathogenic (1 of 4 stars; one submission).

Conditions:
Hereditary cancer-predisposing syndrome. Also called: Neoplastic Syndromes, Hereditary; Tumor predisposition; Hereditary Cancer Syndrome; Hereditary neoplastic syndrome. Identifiers: Orphanet 140162, MedGen C0027672, MeSH D009386, MONDO:0015356.

Allele frequency attached by ClinVar (database versions not stated): gnomAD exomes below 0.00001.

Submission:

Ambry Genetics
Classification: Pathogenic for Hereditary cancer-predisposing syndrome. Last evaluated: 2022-08-11. Review status: criteria provided, single submitter. Criteria: Ambry Variant Classification Scheme 2023. Collection method: clinical testing. Allele origin: germline.
Comment: The c.4057delG pathogenic mutation, located in coding exon 15 of the APC gene, results from a deletion of one nucleotide at nucleotide position 4057, causing a translational frameshift with a predicted alternate stop codon (p.E1353Nfs*62). This alteration occurs at the 3' terminus of theAPC gene, is not expected to trigger nonsense-mediated mRNA decay, and impacts the last 1,491 amino acids of the protein. However, premature stop codons are typically deleterious in nature, the impacted region is critical for protein function, and a significant portion of the protein is affected (Ambry internal data). This alteration has been reported in individuals with a personal and/or family history that is consistent with APC-related disease (van der Luijt RB et al. Hum Mutat, 1997;9:7-16; Ambry internal data). This variant is also considered to be rare based on population cohorts in the Genome Aggregation Database (gnomAD). Based on the supporting evidence, this alteration is interpreted as a disease-causing mutation.

Literature cited by the submitters: PubMed 8990002.